The following is an entry in ClinVar:

ClinVar aggregate classification (germline): Likely benign. Review status: criteria provided, multiple submitters, no conflicts (2 of 4 stars). 2 submissions from 2 submitters: Likely benign (2). Last evaluated 2024-11-18.

Allele frequency attached by ClinVar (database versions not stated): ExAC 0.00004; gnomAD 0.00004; TOPMed 0.00004; gnomAD exomes 0.00006 and 0.00008; ESP Exome Variant Server 0.00008; 1000 Genomes Project 30x 0.00016; 1000 Genomes Project 0.00020.
gnomAD v4.1: 115 of 1,614,202 alleles (0.0071%); highest among the groups gnomAD compares: Non-Finnish European, 0.0091%; no homozygotes.

Submissions (2):

Women's Health and Genetics/Laboratory Corporation of America, LabCorp
Classification: Likely benign. Last evaluated: 2024-11-18. Review status: criteria provided, single submitter. Criteria: LabCorp Variant Classification Summary - May 2015. Collection method: clinical testing. Allele origin: germline.
Comment: Variant summary: SETD2 c.3890G>A (p.Arg1297His) results in a non-conservative amino acid change in the encoded protein sequence. Four of five in-silico tools predict a benign effect of the variant on protein function. The variant allele was found at a frequency of 5.6e-05 in 251286 control chromosomes, predominantly at a frequency of 0.00011 within the Non-Finnish European subpopulation in the gnomAD database. The occurrence in several carriers suggests that this variant is likely not associated with a high penetrance, severe, early onset disease phenotype in heterozygous state. To our knowledge, no occurrence of c.3890G>A in individuals affected with Luscan-Lumish Syndrome and no experimental evidence demonstrating its impact on protein function have been reported. ClinVar contains an entry for this variant (Variation ID: 436681). Based on the evidence outlined above, the variant was classified as likely benign.

Genetic Services Laboratory, University of Chicago
Classification: Likely benign. Last evaluated: 2016-07-14. Review status: criteria provided, single submitter. Criteria: ACMG Guidelines, 2015. Collection method: clinical testing. Allele origin: germline. Affected: no.

NM_014159.7(SETD2):c.3890G>A (p.Arg1297His)

Gene: SETD2 (SET domain containing 2, histone lysine methyltransferase; minus strand). Cytogenetic location: 3p21.31.
Variant type: single nucleotide variant.
Coding change: c.3890G>A on transcript NM_014159.7 (MANE Select); coding-DNA position 3890, G replaced by A.
Protein change: p.Arg1297His; replaces arginine 1297 with histidine.
Molecular consequence: missense variant. On other transcripts: non-coding transcript variant (1).
Genome position (GRCh38, 1-based): chr3:47,120,746, C>T on the plus strand (G>A on the coding strand, the complement: SETD2 is on the minus strand). VCF-style: chr3-47120746-C-T. GRCh37 (hg19) VCF-style: chr3-47162236-C-T.
Other names: c.3758G>A, p.Arg1253His (NM_001349370.3); short protein forms R1297H, R1253H.
Identifiers: ClinVar variation 436681 (VCV000436681.7), dbSNP rs370953553, ClinGen allele CA2363301.